The following is an entry in ClinVar:

NM_001369.3(DNAH5):c.4373G>A (p.Arg1458Gln)

Genes: DNAH5 (dynein axonemal heavy chain 5; minus strand), DNAH5-AS1 (DNAH5 antisense RNA 1; plus strand). Cytogenetic location: 5p15.2.
Variant type: single nucleotide variant.
Coding change: c.4373G>A on transcript NM_001369.3 (MANE Select); coding-DNA position 4373, G replaced by A.
Protein change: p.Arg1458Gln; replaces arginine 1458 with glutamine.
Molecular consequence: missense variant.
Genome position (GRCh38, 1-based): chr5:13,864,620, C>T on the plus strand (G>A on the coding strand, the complement: DNAH5 is on the minus strand). VCF-style: chr5-13864620-C-T. GRCh37 (hg19) VCF-style: chr5-13864729-C-T.
Other names: short protein forms R1458Q.
Identifiers: ClinVar variation 238974 (VCV000238974.25), dbSNP rs61747551, ClinGen allele CA3203989.

ClinVar aggregate classification (germline): Benign/Likely benign. Review status: criteria provided, multiple submitters, no conflicts (2 of 4 stars). 7 submissions from 7 submitters: Benign (3); Likely benign (3). 1 of the submissions does not count toward it. Last evaluated 2026-01-28.

Conditions:
Primary ciliary dyskinesia. Also called: Ciliary dyskinesia. Identifiers: Orphanet 244, MedGen C0008780, MONDO:0016575, HP:0012265.
Primary ciliary dyskinesia 3. Identifiers: Orphanet 244, MedGen C1837618, MONDO:0012085, OMIM 608644.

Allele frequency attached by ClinVar (database versions not stated): 1000 Genomes Project 0.00280; TOPMed 0.00327; ESP Exome Variant Server 0.00400; gnomAD exomes 0.00081; ExAC 0.00104; 1000 Genomes Project 30x 0.00265.
gnomAD v4.1: 958 of 1,614,026 alleles (0.059%); highest among the groups gnomAD compares: African/African-American, 1%; 6 homozygotes.

Submissions (7):

Labcorp Genetics (formerly Invitae), Labcorp
Classification: Benign for Primary ciliary dyskinesia. Last evaluated: 2026-01-28. Review status: criteria provided, single submitter. Criteria: Invitae Variant Classification Sherloc (09022015). Collection method: clinical testing. Allele origin: germline.

Blueprint Genetics
Classification: Likely benign. Last evaluated: 2024-11-21. Review status: criteria provided, single submitter. Criteria: ACMG Guidelines, 2015. Collection method: clinical testing. Allele origin: germline.

ARUP Laboratories, Molecular Genetics and Genomics, ARUP Laboratories
Classification: Likely benign for Primary ciliary dyskinesia 3. Last evaluated: 2024-05-20. Review status: criteria provided, single submitter. Criteria: ARUP Molecular Germline Variant Investigation Process 2024. Collection method: clinical testing. Allele origin: germline.

Illumina Laboratory Services, Illumina
Classification: Likely benign for Primary ciliary dyskinesia 3. Last evaluated: 2018-01-12. Review status: criteria provided, single submitter. Criteria: ICSL Variant Classification Criteria 13 December 2019. Collection method: clinical testing. Allele origin: germline.
Comment: This variant was observed in the ICSL laboratory as part of a predisposition screen in an ostensibly healthy population. It had not been previously curated by ICSL or reported in the Human Gene Mutation Database (HGMD: prior to June 1st, 2018), and was therefore a candidate for classification through an automated scoring system. Utilizing variant allele frequency, disease prevalence and penetrance estimates, and inheritance mode, an automated score was calculated to assess if this variant is too frequent to cause the disease. Based on the score and internal cut-off values, a variant classified as likely benign is not then subjected to further curation. The score for this variant resulted in a classification of likely benign for this disease.

Ambry Genetics
Classification: Benign for Primary ciliary dyskinesia. Last evaluated: 2015-05-06. Review status: criteria provided, single submitter. Criteria: Ambry Variant Classification Scheme 2023. Collection method: clinical testing. Allele origin: germline.

PreventionGenetics, part of Exact Sciences
Classification: Benign. Review status: criteria provided, single submitter. Criteria: ACMG Guidelines, 2015. Collection method: clinical testing. Allele origin: germline.

Natera, Inc.
Classification: Likely benign for Primary ciliary dyskinesia. Last evaluated: 2021-02-26. Review status: no assertion criteria provided. Collection method: clinical testing. Allele origin: germline. Not counted in ClinVar's aggregate classification.